The following is an entry in ClinVar:

ClinVar aggregate classification (germline): Uncertain significance. Review status: criteria provided, multiple submitters, no conflicts (2 of 4 stars). 2 submissions from 2 submitters: Uncertain significance (2). Last evaluated 2025-08-11.

Conditions:
Hypertrophic cardiomyopathy 26. Also called: Cardiomyopathy, familial hypertrophic, 26. Identifiers: Orphanet 75249, MedGen C4310749, MONDO:0014883, OMIM 617047.
Distal myopathy with posterior leg and anterior hand involvement. Also called: WILLIAMS DISTAL MYOPATHY. Identifiers: Orphanet 63273, MedGen C3279722, MONDO:0013550, OMIM 614065.
Myofibrillar myopathy 5. Also called: Filaminopathy (type); FILAMINOPATHY, AUTOSOMAL DOMINANT. Identifiers: Orphanet 171445, MedGen C1836050, MONDO:0012289, OMIM 609524.
Cardiovascular phenotype. Identifiers: MedGen CN230736.

Allele frequency attached by ClinVar (database versions not stated): gnomAD exomes below 0.00001.
gnomAD v4.1: 2 of 1,614,138 alleles (0.00012%); highest among the groups gnomAD compares: African/African-American, 0.0027%; no homozygotes.

Submissions (2):

Labcorp Genetics (formerly Invitae), Labcorp
Classification: Uncertain significance for Distal myopathy with posterior leg and anterior hand involvement; Myofibrillar myopathy 5; Hypertrophic cardiomyopathy 26. Last evaluated: 2025-08-11. Review status: criteria provided, single submitter. Criteria: Invitae Variant Classification Sherloc (09022015). Collection method: clinical testing. Allele origin: germline.
Comment: This sequence change replaces valine, which is neutral and non-polar, with leucine, which is neutral and non-polar, at codon 904 of the FLNC protein (p.Val904Leu). This variant is not present in population databases (gnomAD no frequency). This variant has not been reported in the literature in individuals affected with FLNC-related conditions. ClinVar contains an entry for this variant (Variation ID: 1795076). Invitae Evidence Modeling of protein sequence and biophysical properties (such as structural, functional, and spatial information, amino acid conservation, physicochemical variation, residue mobility, and thermodynamic stability) has been performed for this missense variant. However, the output from this modeling did not meet the statistical confidence thresholds required to predict the impact of this variant on FLNC protein function. In summary, the available evidence is currently insufficient to determine the role of this variant in disease. Therefore, it has been classified as a Variant of Uncertain Significance.

Ambry Genetics
Classification: Uncertain significance for Cardiovascular phenotype. Last evaluated: 2022-04-06. Review status: criteria provided, single submitter. Criteria: Ambry Variant Classification Scheme 2023. Collection method: clinical testing. Allele origin: germline.
Comment: The p.V904L variant (also known as c.2710G>T), located in coding exon 18 of the FLNC gene, results from a G to T substitution at nucleotide position 2710. The valine at codon 904 is replaced by leucine, an amino acid with highly similar properties. This amino acid position is conserved. In addition, this alteration is predicted to be deleterious by in silico analysis. Since supporting evidence is limited at this time, the clinical significance of this alteration remains unclear.

NM_001458.5(FLNC):c.2710G>T (p.Val904Leu)

Gene: FLNC (filamin C; plus strand). Cytogenetic location: 7q32.1.
Variant type: single nucleotide variant.
Coding change: c.2710G>T on transcript NM_001458.5 (MANE Select); coding-DNA position 2710, G replaced by T.
Protein change: p.Val904Leu; replaces valine 904 with leucine.
Molecular consequence: missense variant.
Genome position (GRCh38, 1-based): chr7:128,843,476, G>T. VCF-style: chr7-128843476-G-T. GRCh37 (hg19) VCF-style: chr7-128483530-G-T.
Other names: c.2710G>T, p.Val904Leu (NM_001127487.2); short protein forms V904L.
Identifiers: ClinVar variation 1795076 (VCV001795076.5), dbSNP rs1340231541, ClinGen allele CA369192986.